The following is an entry in ClinVar:

ClinVar aggregate classification (germline): Likely benign (1 of 4 stars; one submission).

Allele frequency attached by ClinVar (database versions not stated): gnomAD exomes below 0.00001.
gnomAD v4.1: 2 of 1,614,150 alleles (0.00012%); highest among the groups gnomAD compares: Non-Finnish European, 0.00017%; no homozygotes.

Submission:

CeGaT Center for Human Genetics Tuebingen
Classification: Likely benign. Last evaluated: 2022-03-01. Review status: criteria provided, single submitter. Criteria: CeGaT Center For Human Genetics Tuebingen Variant Classification Criteria Version 2. Collection method: clinical testing. Allele origin: germline. Affected: yes. Observed: 1 variant allele.
Comment: TEK: BP4, BP7

NM_000459.5(TEK):c.1950T>C (p.Ile650=)

Gene: TEK (TEK receptor tyrosine kinase; plus strand). Cytogenetic location: 9p21.2.
Variant type: single nucleotide variant.
Coding change: c.1950T>C on transcript NM_000459.5 (MANE Select); coding-DNA position 1950, T replaced by C.
Protein change: p.Ile650=; no amino-acid change (isoleucine 650 retained).
Molecular consequence: synonymous variant.
Genome position (GRCh38, 1-based): chr9:27,202,860, T>C. VCF-style: chr9-27202860-T-C. GRCh37 (hg19) VCF-style: chr9-27202858-T-C.
Other names: c.1821T>C, p.Ile607= (NM_001290077.2, NM_001375476.1); c.1509T>C, p.Ile503= (NM_001290078.2); c.1950T>C, p.Ile650= (NM_001375475.1).
Identifiers: ClinVar variation 1676121 (VCV001676121.27), dbSNP rs1242591346, ClinGen allele CA464263544.